The following is an entry in ClinVar:

ClinVar aggregate classification (germline): Likely benign. Review status: criteria provided, multiple submitters, no conflicts (2 of 4 stars). 2 submissions from 2 submitters: Likely benign (2). Last evaluated 2024-11-19.

Allele frequency attached by ClinVar (database versions not stated): 1000 Genomes Project 30x 0.00016; 1000 Genomes Project 0.00020; TOPMed 0.00121; ExAC 0.00124; gnomAD exomes 0.00133 and 0.00198; gnomAD 0.00147 and 0.00150; ESP Exome Variant Server 0.00161.
gnomAD v4.1: 3,060 of 1,605,320 alleles (0.19%); highest among the groups gnomAD compares: Non-Finnish European, 0.24%; 4 homozygotes.

Submissions (2):

Blueprint Genetics
Classification: Likely benign. Last evaluated: 2024-11-19. Review status: criteria provided, single submitter. Criteria: ACMG Guidelines, 2015. Collection method: clinical testing. Allele origin: germline.

Women's Health and Genetics/Laboratory Corporation of America, LabCorp
Classification: Likely benign. Last evaluated: 2023-08-21. Review status: criteria provided, single submitter. Criteria: LabCorp Variant Classification Summary - May 2015. Collection method: clinical testing. Allele origin: germline.
Comment: Variant summary: APOA2 c.186-19A>C alters a non-conserved nucleotide located at a position not widely known to affect splicing. 4/4 computational tools predict no significant impact on normal splicing. However, these predictions have yet to be confirmed by functional studies. The variant allele was found at a frequency of 0.0013 in 251032 control chromosomes. This frequency is not significantly higher than estimated for a pathogenic variant in APOA2 causing Familial Hypercholesterolemia, allowing no conclusion about variant significance. To our knowledge, no occurrence of c.186-19A>C in individuals affected with Familial Hypercholesterolemia and no experimental evidence demonstrating its impact on protein function have been reported. No submitters have cited clinical-significance assessments for this variant to ClinVar after 2014. Based on the evidence outlined above, the variant was classified as likely benign.

NM_001643.2(APOA2):c.186-19A>C

Gene: APOA2 (apolipoprotein A2; minus strand). Cytogenetic location: 1q23.3.
Variant type: single nucleotide variant.
Coding change: c.186-19A>C on transcript NM_001643.2 (MANE Select); 19 bases into the intron before coding-DNA position 186, A replaced by C.
Molecular consequence: intron variant.
Genome position (GRCh38, 1-based): chr1:161,222,541, T>G on the plus strand (A>C on the coding strand, the complement: APOA2 is on the minus strand). VCF-style: chr1-161222541-T-G. GRCh37 (hg19) VCF-style: chr1-161192331-T-G.
Identifiers: ClinVar variation 992213 (VCV000992213.5), dbSNP rs200191201, ClinGen allele CA1209109.